The following is an entry in ClinVar:

ClinVar aggregate classification (germline): Uncertain significance (1 of 4 stars; one submission).

Conditions:
Amyotrophic lateral sclerosis type 1 (ALS1). Also called: AMYOTROPHIC LATERAL SCLEROSIS 1, FAMILIAL. Identifiers: Orphanet 803, MedGen C1862939, MONDO:0007103, OMIM 105400.
Neuronopathy, distal hereditary motor, type 7B. Also called: NEURONOPATHY, DISTAL HEREDITARY MOTOR, AUTOSOMAL DOMINANT 14; NEURONOPATHY, DISTAL HEREDITARY MOTOR, HARDING TYPE VIIB; NEUROPATHY, DISTAL HEREDITARY MOTOR, HARDING TYPE VIIB; NEUROPATHY, DISTAL HEREDITARY MOTOR, WITH VOCAL CORD PARALYSIS, HARDING TYPE VIIB; Distal Hereditary Motor Neuronopathy Type 7B (dHMN7B); HMN VIIB. Identifiers: Orphanet 139589, MedGen C1843315, MONDO:0011879, OMIM 607641.
Perry syndrome. Also called: PARKINSONISM WITH ALVEOLAR HYPOVENTILATION AND MENTAL DEPRESSION. Identifiers: Orphanet 178509, MedGen C1868594, MONDO:0008201, OMIM 168605.

Submission:

Labcorp Genetics (formerly Invitae), Labcorp
Classification: Uncertain significance for Amyotrophic lateral sclerosis type 1; Neuronopathy, distal hereditary motor, type 7B; Perry syndrome. Last evaluated: 2025-03-22. Review status: criteria provided, single submitter. Criteria: Invitae Variant Classification Sherloc (09022015). Collection method: clinical testing. Allele origin: germline.
Comment: This sequence change replaces threonine, which is neutral and polar, with serine, which is neutral and polar, at codon 1152 of the DCTN1 protein (p.Thr1152Ser). This variant is not present in population databases (gnomAD no frequency). This variant has not been reported in the literature in individuals affected with DCTN1-related conditions. Invitae Evidence Modeling of protein sequence and biophysical properties (such as structural, functional, and spatial information, amino acid conservation, physicochemical variation, residue mobility, and thermodynamic stability) indicates that this missense variant is not expected to disrupt DCTN1 protein function with a negative predictive value of 95%. In summary, the available evidence is currently insufficient to determine the role of this variant in disease. Therefore, it has been classified as a Variant of Uncertain Significance.

NM_004082.5(DCTN1):c.3455C>G (p.Thr1152Ser)

Gene: DCTN1 (dynactin subunit 1; minus strand). Cytogenetic location: 2p13.1.
Variant type: single nucleotide variant.
Coding change: c.3455C>G on transcript NM_004082.5 (MANE Select); coding-DNA position 3455, C replaced by G.
Protein change: p.Thr1152Ser; replaces threonine 1152 with serine.
Molecular consequence: missense variant. On other transcripts: non-coding transcript variant (1).
Genome position (GRCh38, 1-based): chr2:74,363,068, G>C on the plus strand (C>G on the coding strand, the complement: DCTN1 is on the minus strand). VCF-style: chr2-74363068-G-C. GRCh37 (hg19) VCF-style: chr2-74590195-G-C.
Other names: c.3329C>G, p.Thr1110Ser (NM_001190836.2); c.3434C>G, p.Thr1145Ser (NM_001190837.2); c.3404C>G, p.Thr1135Ser (NM_001378991.1); c.3386C>G, p.Thr1129Ser (NM_001378992.1); c.3053C>G, p.Thr1018Ser (NM_023019.4); c.3380C>G, p.Thr1127Ser (NM_001135040.3); c.3038C>G, p.Thr1013Ser (NM_001135041.3); short protein forms T1145S, T1013S, T1018S, T1127S, T1152S, T1110S, T1129S, T1135S.
Identifiers: ClinVar variation 4783539 (VCV004783539.1).
Genomic context (GRCh38, chr2:74,363,068, plus strand): 5'-GTGATGTCTACTACGTGCGTGTGTGTGCTCAATTGATTCAATGTCTCCAGCAGCTGGCTG[G>C]TCTTACGATACAGCGCTCCAGCTGGTAACTCACTGCCAGGGCCCTCATGGGATAGCTTTG-3'
Protein context (NP_004073.2, residues 1142-1162): ELPAGALYRK[Thr1152Ser]SQLLETLNQL